The following is an entry in ClinVar:

ClinVar aggregate classification (germline): Pathogenic (1 of 4 stars; one submission).

Conditions:
Osteogenesis imperfecta type I (OI1). Also called: OI, TYPE I; OSTEOGENESIS IMPERFECTA TARDA; OSTEOGENESIS IMPERFECTA WITH BLUE SCLERAE; Osteogenesis imperfecta type 1; Lobstein disease; Classic Non-deforming Osteogenesis Imperfecta with Blue Sclerae. Identifiers: Orphanet 216796, Orphanet 666, MedGen C0023931, MONDO:0008146, OMIM 166200. Disease mechanism: loss of function.

Submission:

Labcorp Genetics (formerly Invitae), Labcorp
Classification: Pathogenic for Osteogenesis imperfecta type I. Last evaluated: 2019-05-05. Review status: criteria provided, single submitter. Criteria: Invitae Variant Classification Sherloc (09022015). Collection method: clinical testing. Allele origin: germline.
Comment: This sequence change creates a premature translational stop signal (p.Cys92*) in the COL1A1 gene. It is expected to result in an absent or disrupted protein product. This variant is not present in population databases (ExAC no frequency). This variant has not been reported in the literature in individuals with COL1A1-related conditions. Loss-of-function variants in COL1A1 are known to be pathogenic (PMID: 7942841, 9295084, 9443882). For these reasons, this variant has been classified as Pathogenic.

Literature cited by the submitters: PubMed 7942841; PubMed 9295084; PubMed 9443882.

NM_000088.4(COL1A1):c.276T>A (p.Cys92Ter)

Gene: COL1A1 (collagen type I alpha 1 chain; minus strand). Cytogenetic location: 17q21.33.
Variant type: single nucleotide variant.
Coding change: c.276T>A on transcript NM_000088.4 (MANE Select); coding-DNA position 276, T replaced by A.
Protein change: p.Cys92Ter; replaces cysteine 92 with a stop codon.
Molecular consequence: nonsense.
Genome position (GRCh38, 1-based): chr17:50,199,775, A>T on the plus strand (T>A on the coding strand, the complement: COL1A1 is on the minus strand). VCF-style: chr17-50199775-A-T. GRCh37 (hg19) VCF-style: chr17-48277136-A-T.
Other names: short protein forms C92*.
Identifiers: ClinVar variation 840159 (VCV000840159.8), dbSNP rs1907921633, ClinGen allele CA400228065.
Genomic context (GRCh38, chr17:50,199,775, plus strand): 5'-CCCAGGCCCCAGGCCCCAGGCCCCGAGCGCAGCCGCACCTGAGCCGTCGGGGCAGACGGG[A>T]CAGCACTCGCCCTCGGGGACTTCGGCGCCGGGGCAGTTCTTGGTCTCGTCACAGATCACG-3'